The following is an entry in ClinVar:

ClinVar aggregate classification (germline): Conflicting classifications of pathogenicity. Review status: criteria provided, conflicting classifications (1 of 4 stars). 4 submissions from 4 submitters: Uncertain significance (2); Likely benign (1). 1 of the submissions does not count toward it. Last evaluated 2025-12-28.

Conditions:
ATP8B1-related disorder. Also called: ATP8B1-related disorders; ATP8B1-related condition.
Progressive familial intrahepatic cholestasis type 1. Also called: Severe ATP8B1 Deficiency (Progressive Familial Intrahepatic Cholestasis Type 1 [PFIC1]); Byler's disease; BYLER DISEASE. Identifiers: Orphanet 79306, MedGen C4551898, MONDO:0008892, OMIM 211600.

Allele frequency attached by ClinVar (database versions not stated): gnomAD exomes 0.00025; ExAC 0.00026; 1000 Genomes Project 30x 0.00031; 1000 Genomes Project 0.00040; ESP Exome Variant Server 0.00077; gnomAD 0.00082 and 0.00090; TOPMed 0.00102.

Submissions (4):

Labcorp Genetics (formerly Invitae), Labcorp
Classification: Likely benign. Last evaluated: 2025-12-28. Review status: criteria provided, single submitter. Criteria: Invitae Variant Classification Sherloc (09022015). Collection method: clinical testing. Allele origin: germline.

Eurofins Ntd Llc (ga)
Classification: Uncertain significance. Last evaluated: 2018-06-05. Review status: criteria provided, single submitter. Criteria: EGL ClinVar v180209 classification definitions. Collection method: clinical testing. Allele origin: germline. Observed: 4 variant alleles, 4 heterozygotes.

Illumina Laboratory Services, Illumina
Classification: Uncertain significance for Progressive familial intrahepatic cholestasis type 1. Last evaluated: 2018-01-13. Review status: criteria provided, single submitter. Criteria: ICSL Variant Classification Criteria 13 December 2019. Collection method: clinical testing. Allele origin: germline.

PreventionGenetics, part of Exact Sciences
Classification: Likely benign for ATP8B1-related condition. Last evaluated: 2023-12-06. Review status: no assertion criteria provided. Collection method: clinical testing. Allele origin: germline. Not counted in ClinVar's aggregate classification.
Comment: This variant is classified as likely benign based on ACMG/AMP sequence variant interpretation guidelines (Richards et al. 2015 PMID: 25741868, with internal and published modifications).

NM_001374385.1(ATP8B1):c.1711G>A (p.Ala571Thr)

Gene: ATP8B1 (ATPase phospholipid transporting 8B1; minus strand). Cytogenetic location: 18q21.31.
Variant type: single nucleotide variant.
Coding change: c.1711G>A on transcript NM_001374385.1 (MANE Select); coding-DNA position 1711, G replaced by A.
Protein change: p.Ala571Thr; replaces alanine 571 with threonine.
Molecular consequence: missense variant.
Genome position (GRCh38, 1-based): chr18:57,674,942, C>T on the plus strand (G>A on the coding strand, the complement: ATP8B1 is on the minus strand). VCF-style: chr18-57674942-C-T. GRCh37 (hg19) VCF-style: chr18-55342174-C-T.
Other names: c.1561G>A, p.Ala521Thr (NM_001374386.1); c.1711G>A, p.Ala571Thr (NM_005603.6); short protein forms A571T, A521T.
Identifiers: ClinVar variation 327485 (VCV000327485.18), dbSNP rs35140429, ClinGen allele CA8974493.